The following is an entry in ClinVar:

NM_014271.4(IL1RAPL1):c.261G>C (p.Glu87Asp)

Gene: IL1RAPL1 (interleukin 1 receptor accessory protein like 1; plus strand). Cytogenetic location: Xp21.3.
Variant type: single nucleotide variant.
Coding change: c.261G>C on transcript NM_014271.4 (MANE Select); coding-DNA position 261, G replaced by C.
Protein change: p.Glu87Asp; replaces glutamic acid 87 with aspartic acid.
Molecular consequence: missense variant.
Genome position (GRCh38, 1-based): chrX:29,283,116, G>C. VCF-style: chrX-29283116-G-C. GRCh37 (hg19) VCF-style: chrX-29301233-G-C.
Other names: c.261G>C (NM_014271.3); short protein forms E87D.
Identifiers: ClinVar variation 2181194 (VCV002181194.20), dbSNP rs1030366729, ClinGen allele CA328232595.

ClinVar aggregate classification (germline): Conflicting classifications of pathogenicity. Review status: criteria provided, conflicting classifications (1 of 4 stars). 4 submissions from 4 submitters: Uncertain significance (3); Likely benign (1). Last evaluated 2025-10-29.

Conditions:
Inborn genetic diseases. Identifiers: MedGen C0950123, MeSH D030342.

Allele frequency attached by ClinVar (database versions not stated): gnomAD exomes 0.00001; gnomAD 0.00002; TOPMed 0.00002.
gnomAD v4.1: 15 of 1,209,749 alleles (0.0012%); highest among the groups gnomAD compares: Non-Finnish European, 0.0017%; no homozygotes.

Submissions (4):

Labcorp Genetics (formerly Invitae), Labcorp
Classification: Uncertain significance. Last evaluated: 2025-10-29. Review status: criteria provided, single submitter. Criteria: Invitae Variant Classification Sherloc (09022015). Collection method: clinical testing. Allele origin: germline.
Comment: This sequence change replaces glutamic acid, which is acidic and polar, with aspartic acid, which is acidic and polar, at codon 87 of the IL1RAPL1 protein (p.Glu87Asp). This variant is present in population databases (no rsID available, gnomAD 0.001%). This missense change has been observed in individual(s) with clinical features of IL1RAPL1-related conditions (PMID: 34490615). ClinVar contains an entry for this variant (Variation ID: 2181194). An algorithm developed to predict the effect of missense changes on protein structure and function (PolyPhen-2) suggests that this variant is likely to be disruptive. In summary, the available evidence is currently insufficient to determine the role of this variant in disease. Therefore, it has been classified as a Variant of Uncertain Significance.

CeGaT Center for Human Genetics Tuebingen
Classification: Likely benign. Last evaluated: 2024-12-01. Review status: criteria provided, single submitter. Criteria: CeGaT Center For Human Genetics Tuebingen Variant Classification Criteria Version 2. Collection method: clinical testing. Allele origin: germline. Affected: yes. Observed: 1 variant allele.
Comment: IL1RAPL1: PP3, BS2

Women's Health and Genetics/Laboratory Corporation of America, LabCorp
Classification: Uncertain significance. Last evaluated: 2023-09-12. Review status: criteria provided, single submitter. Criteria: LabCorp Variant Classification Summary - May 2015. Collection method: clinical testing. Allele origin: germline.
Comment: Variant summary: IL1RAPL1 c.261G>C (p.Glu87Asp) results in a conservative amino acid change located in the Immunoglobulin subtype domain (IPR003599) of the encoded protein sequence. Four of five in-silico tools predict a damaging effect of the variant on protein function. The variant allele was found at a frequency of 1.1e-05 in 183331 control chromosomes. The available data on variant occurrences in the general population are insufficient to allow any conclusion about variant significance. c.261G>C has been reported in the literature in at-least one individual affected with motor developmental delay and speech delay (example, vanderVen_CG_2021), without strong evidence for causality. These report(s) do not provide unequivocal conclusions about association of the variant with Intellectual disability, X-linked 21. To our knowledge, no experimental evidence demonstrating an impact on protein function has been reported. The following publication has been ascertained in the context of this evaluation (PMID: 34490615). Two submitters have cited clinical-significance assessments for this variant to ClinVar after 2014. Both submitters classified the variant as uncertain significance. Based on the evidence outlined above, the variant was classified as uncertain significance.

Ambry Genetics
Classification: Uncertain significance for Inborn genetic diseases. Last evaluated: 2023-05-18. Review status: criteria provided, single submitter. Criteria: Ambry Variant Classification Scheme 2023. Collection method: clinical testing. Allele origin: germline.
Comment: The c.261G>C (p.E87D) alteration is located in exon 3 (coding exon 2) of the IL1RAPL1 gene. This alteration results from a G to C substitution at nucleotide position 261, causing the glutamic acid (E) at amino acid position 87 to be replaced by an aspartic acid (D). Based on data from gnomAD, the C allele has an overall frequency of 0.001% (2/183331) total alleles studied. The highest observed frequency was 0.002% (2/81825) of European (non-Finnish) alleles. The c.261G>C alteration has been reported in one individual with motor developmental delay and speech delay (van der Ven, 2021). This amino acid position is highly conserved in available vertebrate species. This alteration is predicted to be tolerated by in silico analysis. Based on insufficient or conflicting evidence, the clinical significance of this alteration remains unclear.

Literature cited by the submitters: PubMed 34490615 (cited by 3 submitters).